The following is an entry in ClinVar:

ClinVar aggregate classification (germline): Uncertain significance (1 of 4 stars; one submission).

Submission:

GeneDx
Classification: Uncertain significance. Last evaluated: 2023-05-17. Review status: criteria provided, single submitter. Criteria: GeneDx Variant Classification Process June 2021. Collection method: clinical testing. Allele origin: germline. Affected: yes.
Comment: Not observed at significant frequency in large population cohorts (gnomAD); In silico analysis supports that this missense variant has a deleterious effect on protein structure/function; Has not been previously published as pathogenic or benign to our knowledge

NM_002430.3(MN1):c.3943T>C (p.Phe1315Leu)

Gene: MN1 (MN1 proto-oncogene, transcriptional regulator; minus strand). Cytogenetic location: 22q12.1.
Variant type: single nucleotide variant.
Coding change: c.3943T>C on transcript NM_002430.3 (MANE Select); coding-DNA position 3943, T replaced by C.
Protein change: p.Phe1315Leu; replaces phenylalanine 1315 with leucine.
Molecular consequence: missense variant.
Genome position (GRCh38, 1-based): chr22:27,750,935, A>G on the plus strand (T>C on the coding strand, the complement: MN1 is on the minus strand). VCF-style: chr22-27750935-A-G. GRCh37 (hg19) VCF-style: chr22-28146923-A-G.
Other names: short protein forms F1315L.
Identifiers: ClinVar variation 3343667 (VCV003343667.1).
Genomic context (GRCh38, chr22:27,750,935, plus strand): 5'-AGAGGAAGGGCCTGGTAGAGGAGGGGATCTTTCTTGTCATTCAAGTTAGGGCAGCCACGA[A>G]TGTCCCAAATCTGTTGGAGATGTCAGAATGCAGGGACCGCCAGGTGGGCACGGAGGCTCG-3'
Protein context (NP_002421.3, residues 1305-1320): HSDISNRFGT[Phe1315Leu]VAALT